The following is an entry in ClinVar:

ClinVar aggregate classification (germline): Uncertain significance (1 of 4 stars; one submission).

Conditions:
Kufor-Rakeb syndrome (KRS). Also called: PARKINSON DISEASE 9, AUTOSOMAL RECESSIVE, JUVENILE-ONSET. Identifiers: Orphanet 306674, Orphanet 314632, MedGen C1847640, MONDO:0011706, OMIM 606693.
Autosomal recessive spastic paraplegia type 78. Identifiers: Orphanet 513436, MedGen C5567893, MONDO:0014975, OMIM 617225.

Allele frequency attached by ClinVar (database versions not stated): gnomAD 0.00001 and 0.00002; ExAC 0.00007.
gnomAD v4.1: 15 of 1,573,694 alleles (0.00095%); highest among the groups gnomAD compares: African/African-American, 0.0027%; no homozygotes.

Submission:

Labcorp Genetics (formerly Invitae), Labcorp
Classification: Uncertain significance for Kufor-Rakeb syndrome; Autosomal recessive spastic paraplegia type 78. Last evaluated: 2022-08-19. Review status: criteria provided, single submitter. Criteria: Invitae Variant Classification Sherloc (09022015). Collection method: clinical testing. Allele origin: germline.
Comment: This sequence change replaces valine, which is neutral and non-polar, with methionine, which is neutral and non-polar, at codon 297 of the ATP13A2 protein (p.Val297Met). The frequency data for this variant in the population databases is considered unreliable, as metrics indicate poor data quality at this position in the gnomAD database. This variant has not been reported in the literature in individuals affected with ATP13A2-related conditions. ClinVar contains an entry for this variant (Variation ID: 1380674). Algorithms developed to predict the effect of missense changes on protein structure and function are either unavailable or do not agree on the potential impact of this missense change (SIFT: "Deleterious"; PolyPhen-2: "Probably Damaging"; Align-GVGD: "Class C0"). In summary, the available evidence is currently insufficient to determine the role of this variant in disease. Therefore, it has been classified as a Variant of Uncertain Significance.

NM_022089.4(ATP13A2):c.889G>A (p.Val297Met)

Gene: ATP13A2 (ATPase cation transporting 13A2; minus strand). Cytogenetic location: 1p36.13.
Variant type: single nucleotide variant.
Coding change: c.889G>A on transcript NM_022089.4 (MANE Select); coding-DNA position 889, G replaced by A.
Protein change: p.Val297Met; replaces valine 297 with methionine.
Molecular consequence: missense variant.
Genome position (GRCh38, 1-based): chr1:17,000,264, C>T on the plus strand (G>A on the coding strand, the complement: ATP13A2 is on the minus strand). VCF-style: chr1-17000264-C-T. GRCh37 (hg19) VCF-style: chr1-17326759-C-T.
Other names: c.874G>A, p.Val292Met (NM_001141973.3, NM_001141974.3); short protein forms V292M, V297M.
Identifiers: ClinVar variation 1380674 (VCV001380674.3), dbSNP rs771174890, ClinGen allele CA637455.